The following is an entry in ClinVar:

ClinVar aggregate classification (germline): Conflicting classifications of pathogenicity. Review status: criteria provided, conflicting classifications (1 of 4 stars). 6 submissions from 6 submitters: Uncertain significance (4); Likely benign (1). 1 of the submissions does not count toward it. Last evaluated 2026-01-28.

Conditions:
Inborn genetic diseases. Identifiers: MedGen C0950123, MeSH D030342.
Pontocerebellar hypoplasia type 6 (PCH6). Identifiers: Orphanet 166073, MedGen C1969084, MONDO:0012683, OMIM 611523.

Allele frequency attached by ClinVar (database versions not stated): 1000 Genomes Project 30x 0.00016; 1000 Genomes Project 0.00020; TOPMed 0.00023; gnomAD 0.00025 and 0.00026; ExAC 0.00030; gnomAD exomes 0.00035; ESP Exome Variant Server 0.00046.
gnomAD v4.1: 263 of 1,612,544 alleles (0.016%); highest among the groups gnomAD compares: Middle Eastern, 0.083%; 1 homozygote.

Submissions (6):

Labcorp Genetics (formerly Invitae), Labcorp
Classification: Likely benign. Last evaluated: 2026-01-28. Review status: criteria provided, single submitter. Criteria: Invitae Variant Classification Sherloc (09022015). Collection method: clinical testing. Allele origin: germline.

GeneDx
Classification: Uncertain significance. Last evaluated: 2026-01-14. Review status: criteria provided, single submitter. Criteria: GeneDx Variant Classification Process June 2021. Collection method: clinical testing. Allele origin: germline. Affected: yes.
Comment: In silico analysis supports that this missense variant has a deleterious effect on protein structure/function; Has not been previously published as pathogenic or benign to our knowledge

Baylor Genetics
Classification: Uncertain significance for Pontocerebellar hypoplasia type 6. Last evaluated: 2023-06-22. Review status: criteria provided, single submitter. Criteria: ACMG Guidelines, 2015. Collection method: clinical testing. Allele origin: unknown.

Ambry Genetics
Classification: Uncertain significance for Inborn genetic diseases. Last evaluated: 2021-07-06. Review status: criteria provided, single submitter. Criteria: Ambry Variant Classification Scheme 2023. Collection method: clinical testing. Allele origin: germline.

Illumina Laboratory Services, Illumina
Classification: Uncertain significance for Pontocerebellar hypoplasia type 6. Last evaluated: 2018-01-12. Review status: criteria provided, single submitter. Criteria: ICSL Variant Classification Criteria 13 December 2019. Collection method: clinical testing. Allele origin: germline.

Natera, Inc.
Classification: Likely benign for Pontocerebellar hypoplasia, type 6. Last evaluated: 2019-11-11. Review status: no assertion criteria provided. Collection method: clinical testing. Allele origin: germline. Not counted in ClinVar's aggregate classification.

NM_020320.5(RARS2):c.1637C>T (p.Pro546Leu)

Gene: RARS2 (arginyl-tRNA synthetase 2, mitochondrial; minus strand). Cytogenetic location: 6q15.
Variant type: single nucleotide variant.
Coding change: c.1637C>T on transcript NM_020320.5 (MANE Select); coding-DNA position 1637, C replaced by T.
Protein change: p.Pro546Leu; replaces proline 546 with leucine.
Molecular consequence: missense variant. On other transcripts: non-coding transcript variant (23).
Genome position (GRCh38, 1-based): chr6:87,514,970, G>A on the plus strand (C>T on the coding strand, the complement: RARS2 is on the minus strand). VCF-style: chr6-87514970-G-A. GRCh37 (hg19) VCF-style: chr6-88224688-G-A.
Other names: p.P546L:CCT>CTT; c.1112C>T, p.Pro371Leu (NM_001318785.2, NM_001350506.2, NM_001350507.2 and 4 more transcripts); c.1637C>T, p.Pro546Leu (NM_001350505.2); short protein forms P546L, P371L.
Identifiers: ClinVar variation 215054 (VCV000215054.25), dbSNP rs142348911, ClinGen allele CA323332.